The following is an entry in ClinVar:

ClinVar aggregate classification (germline): Benign. Review status: criteria provided, multiple submitters, no conflicts (2 of 4 stars). 3 submissions from 3 submitters: Benign (3). Last evaluated 2026-01-21.

Allele frequency attached by ClinVar (database versions not stated): 1000 Genomes Project 30x 0.97814; 1000 Genomes Project 0.98003; ESP Exome Variant Server 0.98362; TOPMed 0.98422; gnomAD 0.98526; ExAC 0.99241; gnomAD exomes 0.99756.
gnomAD v4.1: 1,608,244 of 1,614,180 alleles (100%); highest among the groups gnomAD compares: East Asian, 100%; 801,290 homozygotes.

Submissions (3):

Women's Health and Genetics/Laboratory Corporation of America, LabCorp
Classification: Benign. Last evaluated: 2026-01-21. Review status: criteria provided, single submitter. Criteria: LabCorp Variant Classification Summary - May 2015. Collection method: clinical testing. Allele origin: germline.

Unidad de Genómica Garrahan, Hospital de Pediatría Garrahan
Classification: Benign. Last evaluated: 2024-01-24. Review status: criteria provided, single submitter. Criteria: ACMG Guidelines, 2015. Collection method: clinical testing. Allele origin: germline. Affected: no. Observed: 95 variant alleles.
Comment: This variant is classified as Benign based on local population frequency. This variant was detected in 100% of patients studied by a panel of primary immunodeficiencies. Number of patients: 95. Only high quality variants are reported.

Mayo Clinic Laboratories, Mayo Clinic
Classification: Benign. Last evaluated: 2022-04-14. Review status: criteria provided, single submitter. Criteria: ACMG Guidelines, 2015. Collection method: clinical testing. Allele origin: germline. Observed: 27 variant alleles.

NM_015274.3(MAN2B2):c.2760A>G (p.Leu920=)

Genes: MAN2B2 (mannosidase alpha class 2B member 2; plus strand), MRFAP1-AS1 (MRFAP1 antisense RNA 1; minus strand). Cytogenetic location: 4p16.1.
Variant type: single nucleotide variant.
Coding change: c.2760A>G on transcript NM_015274.3 (MANE Select); coding-DNA position 2760, A replaced by G.
Protein change: p.Leu920=; no amino-acid change (leucine 920 retained).
Molecular consequence: synonymous variant.
Genome position (GRCh38, 1-based): chr4:6,617,438, A>G. VCF-style: chr4-6617438-A-G. GRCh37 (hg19) VCF-style: chr4-6619165-A-G.
Other names: p.Leu920=; c.2607A>G, p.Leu869= (NM_001292038.2).
Identifiers: ClinVar variation 2688053 (VCV002688053.4), dbSNP rs4689489, ClinGen allele CA2841478.